The following is an entry in ClinVar:

ClinVar aggregate classification (germline): Likely benign (0 of 4 stars; one submission).

Conditions:
ECEL1-related disorder. Also called: ECEL1-related condition.

Allele frequency attached by ClinVar (database versions not stated): gnomAD exomes below 0.00001; TOPMed below 0.00001.
gnomAD v4.1: 1 of 1,611,610 alleles (0.000062%); highest among the groups gnomAD compares: African/African-American, 0.0013%; no homozygotes.

Submission:

PreventionGenetics, part of Exact Sciences
Classification: Likely benign for ECEL1-related condition. Last evaluated: 2022-04-13. Review status: no assertion criteria provided. Collection method: clinical testing. Allele origin: germline.
Comment: This variant is classified as likely benign based on ACMG/AMP sequence variant interpretation guidelines (Richards et al. 2015 PMID: 25741868, with internal and published modifications).

NM_004826.4(ECEL1):c.859C>T (p.Leu287=)

Gene: ECEL1 (endothelin converting enzyme like 1; minus strand). Cytogenetic location: 2q37.1.
Variant type: single nucleotide variant.
Coding change: c.859C>T on transcript NM_004826.4 (MANE Select); coding-DNA position 859, C replaced by T.
Protein change: p.Leu287=; no amino-acid change (leucine 287 retained).
Molecular consequence: synonymous variant.
Genome position (GRCh38, 1-based): chr2:232,485,088, G>A on the plus strand (C>T on the coding strand, the complement: ECEL1 is on the minus strand). VCF-style: chr2-232485088-G-A. GRCh37 (hg19) VCF-style: chr2-233349798-G-A.
Other names: c.859C>T, p.Leu287= (NM_001290787.2).
Identifiers: ClinVar variation 3048751 (VCV003048751.2), dbSNP rs1324461714, ClinGen allele CA431950971.